The following is an entry in ClinVar:

ClinVar aggregate classification (germline): Uncertain significance (1 of 4 stars; one submission).

Allele frequency attached by ClinVar (database versions not stated): gnomAD exomes below 0.00001.
gnomAD v4.1: 1 of 1,614,218 alleles (0.000062%); highest among the groups gnomAD compares: Non-Finnish European, 0.000085%; no homozygotes.

Submission:

Labcorp Genetics (formerly Invitae), Labcorp
Classification: Uncertain significance. Last evaluated: 2022-08-19. Review status: criteria provided, single submitter. Criteria: Invitae Variant Classification Sherloc (09022015). Collection method: clinical testing. Allele origin: germline.
Comment: In summary, the available evidence is currently insufficient to determine the role of this variant in disease. Therefore, it has been classified as a Variant of Uncertain Significance. Advanced modeling of protein sequence and biophysical properties (such as structural, functional, and spatial information, amino acid conservation, physicochemical variation, residue mobility, and thermodynamic stability) performed at Invitae indicates that this missense variant is not expected to disrupt DUOX2 protein function. This variant has not been reported in the literature in individuals affected with DUOX2-related conditions. This variant is not present in population databases (gnomAD no frequency). This sequence change replaces glycine, which is neutral and non-polar, with arginine, which is basic and polar, at codon 947 of the DUOX2 protein (p.Gly947Arg).

NM_001363711.2(DUOX2):c.2839G>A (p.Gly947Arg)

Gene: DUOX2 (dual oxidase 2; minus strand). Cytogenetic location: 15q21.1.
Variant type: single nucleotide variant.
Coding change: c.2839G>A on transcript NM_001363711.2 (MANE Select); coding-DNA position 2839, G replaced by A.
Protein change: p.Gly947Arg; replaces glycine 947 with arginine.
Molecular consequence: missense variant.
Genome position (GRCh38, 1-based): chr15:45,101,805, C>T on the plus strand (G>A on the coding strand, the complement: DUOX2 is on the minus strand). VCF-style: chr15-45101805-C-T. GRCh37 (hg19) VCF-style: chr15-45394003-C-T.
Other names: c.2839G>A, p.Gly947Arg (NM_014080.5); short protein forms G947R.
Identifiers: ClinVar variation 2008162 (VCV002008162.4), dbSNP rs2504756607, ClinGen allele CA392265908.